The following is an entry in ClinVar:

ClinVar aggregate classification (germline): Uncertain significance (1 of 4 stars; one submission).

Submission:

GeneDx
Classification: Uncertain significance. Last evaluated: 2025-08-21. Review status: criteria provided, single submitter. Criteria: GeneDx Variant Classification Process June 2021. Collection method: clinical testing. Allele origin: germline.
Comment: Not observed at significant frequency in large population cohorts (gnomAD); In silico analysis suggests that this missense variant does not alter protein structure/function; Has not been previously published as pathogenic or benign to our knowledge

NM_000352.6(ABCC8):c.4505T>G (p.Phe1502Cys)

Gene: ABCC8 (ATP binding cassette subfamily C member 8; minus strand). Cytogenetic location: 11p15.1.
Variant type: single nucleotide variant.
Coding change: c.4505T>G on transcript NM_000352.6 (MANE Select); coding-DNA position 4505, T replaced by G.
Protein change: p.Phe1502Cys; replaces phenylalanine 1502 with cysteine.
Molecular consequence: missense variant. On other transcripts: non-coding transcript variant (1).
Genome position (GRCh38, 1-based): chr11:17,394,306, A>C on the plus strand (T>G on the coding strand, the complement: ABCC8 is on the minus strand). VCF-style: chr11-17394306-A-C. GRCh37 (hg19) VCF-style: chr11-17415853-A-C.
Other names: c.4508T>G, p.Phe1503Cys (NM_001287174.3); c.4571T>G, p.Phe1524Cys (NM_001351295.2); c.4505T>G, p.Phe1502Cys (NM_001351296.2); c.4502T>G, p.Phe1501Cys (NM_001351297.2); short protein forms F1501C, F1502C, F1503C, F1524C.
Identifiers: ClinVar variation 4071876 (VCV004071876.2).